The following is an entry in ClinVar:

ClinVar aggregate classification (germline): Uncertain significance (1 of 4 stars; one submission).

Allele frequency attached by ClinVar (database versions not stated): gnomAD exomes below 0.00001; gnomAD 0.00001.
gnomAD v4.1: 1 of 1,612,950 alleles (0.000062%); highest among the groups gnomAD compares: Admixed American, 0.0017%; no homozygotes.

Submission:

GeneDx
Classification: Uncertain significance. Last evaluated: 2021-05-17. Review status: criteria provided, single submitter. Criteria: GeneDx Variant Classification Process June 2021. Collection method: clinical testing. Allele origin: germline. Affected: yes.
Comment: Not observed at a significant frequency in large population cohorts (Lek et al., 2016); In silico analysis supports that this missense variant does not alter protein structure/function; Has not been previously published as pathogenic or benign to our knowledge

NM_001206999.2(CIT):c.2072T>C (p.Val691Ala)

Gene: CIT (citron rho-interacting serine/threonine kinase; minus strand). Cytogenetic location: 12q24.23.
Variant type: single nucleotide variant.
Coding change: c.2072T>C on transcript NM_001206999.2 (MANE Select); coding-DNA position 2072, T replaced by C.
Protein change: p.Val691Ala; replaces valine 691 with alanine.
Molecular consequence: missense variant.
Genome position (GRCh38, 1-based): chr12:119,772,780, A>G on the plus strand (T>C on the coding strand, the complement: CIT is on the minus strand). VCF-style: chr12-119772780-A-G. GRCh37 (hg19) VCF-style: chr12-120210584-A-G.
Other names: c.2072T>C, p.Val691Ala (NM_007174.3); short protein forms V691A.
Identifiers: ClinVar variation 1326135 (VCV001326135.2), dbSNP rs1566020550, ClinGen allele CA386540207.
Genomic context (GRCh38, chr12:119,772,780, plus strand): 5'-CAGCCAAAGGCCGAGGCCGCTGGGGCCTGGGCTGGAGGTTCCCTGCTCACCTCAGCTTCC[A>G]CCAGCTTCTTTCTGATGCCTTCAGAAGAATCCTCTCGGTTCTGCAGCTTCTCCAGCTCCC-3'
Protein context (NP_001193928.1, residues 681-701): DSSEGIRKKL[Val691Ala]EAEERRHSLE